The following is an entry in ClinVar:

ClinVar aggregate classification (germline): Uncertain significance (1 of 4 stars; one submission).

Conditions:
Long QT syndrome (LQTS). Identifiers: MedGen C0023976, MeSH D008133, MONDO:0002442. Disease mechanism: loss of function. Inheritance: Various modes of inheritance.

gnomAD v4.1: 2 of 1,613,770 alleles (0.00012%); highest among the groups gnomAD compares: Non-Finnish European, 0.00017%; no homozygotes.

Submission:

Labcorp Genetics (formerly Invitae), Labcorp
Classification: Uncertain significance for Long QT syndrome. Last evaluated: 2025-11-24. Review status: criteria provided, single submitter. Criteria: Invitae Variant Classification Sherloc (09022015). Collection method: clinical testing. Allele origin: germline.
Comment: This sequence change replaces glutamic acid, which is acidic and polar, with aspartic acid, which is acidic and polar, at codon 1392 of the CACNA1C protein (p.Glu1392Asp). This variant is not present in population databases (gnomAD no frequency). This variant has not been reported in the literature in individuals affected with CACNA1C-related conditions. ClinVar contains an entry for this variant (Variation ID: 946348). Invitae Evidence Modeling of protein sequence and biophysical properties (such as structural, functional, and spatial information, amino acid conservation, physicochemical variation, residue mobility, and thermodynamic stability) indicates that this missense variant is not expected to disrupt CACNA1C protein function with a negative predictive value of 95%. In summary, the available evidence is currently insufficient to determine the role of this variant in disease. Therefore, it has been classified as a Variant of Uncertain Significance.

NM_000719.7(CACNA1C):c.4176G>C (p.Glu1392Asp)

Gene: CACNA1C (calcium voltage-gated channel subunit alpha1 C; plus strand). Cytogenetic location: 12p13.33.
Variant type: single nucleotide variant.
Coding change: c.4176G>C on transcript NM_000719.7 (MANE Select); coding-DNA position 4176, G replaced by C.
Protein change: p.Glu1392Asp; replaces glutamic acid 1392 with aspartic acid.
Molecular consequence: missense variant.
Genome position (GRCh38, 1-based): chr12:2,655,182, G>C. VCF-style: chr12-2655182-G-C. GRCh37 (hg19) VCF-style: chr12-2764348-G-C.
Other names: c.4176G>C, p.Glu1392Asp (NM_001129842.2, NM_001129843.2, NM_001167623.2 and 7 more transcripts); c.4167G>C, p.Glu1389Asp (NM_001129844.2); c.4143G>C, p.Glu1381Asp (NM_001129846.2, NM_001167625.2, NM_001129837.2 and 1 more transcripts); c.4320G>C, p.Glu1440Asp (NM_199460.4, NM_001129827.2); c.4242G>C, p.Glu1414Asp (NM_001129829.2); c.4260G>C, p.Glu1420Asp (NM_001129831.2); c.4236G>C, p.Glu1412Asp (NM_001129832.2); c.4227G>C, p.Glu1409Asp (NM_001129836.2); and 1 more; short protein forms E1409D, E1381D, E1389D, E1392D, E1412D, E1414D, E1440D, E1379D.
Identifiers: ClinVar variation 946348 (VCV000946348.10), dbSNP rs1603374773, ClinGen allele CA383374488.